The following is an entry in ClinVar:

ClinVar aggregate classification (germline): Likely benign (1 of 4 stars; one submission).

Conditions:
Microcephaly, short stature, and impaired glucose metabolism 2 (MSSGM2). Identifiers: Orphanet 391408, MedGen C4225195, MONDO:0014785, OMIM 616817.

gnomAD v4.1: 20 of 1,614,008 alleles (0.0012%); highest among the groups gnomAD compares: East Asian, 0.027%; no homozygotes.

Submission:

Centre for Medical Genetics,  Mumbai
Classification: Likely benign for Microcephaly, short stature, and impaired glucose metabolism 2. Last evaluated: 2026-03-26. Review status: criteria provided, single submitter. Criteria: ACMG Guidelines, 2015. Collection method: provider interpretation. Allele origin: germline. Inheritance: Autosomal recessive inheritance. Affected: no. Observed: 1 variant allele, 1 homozygote.
Comment: The variant satisfies PM2 criteria; Extremely low frequency in gnomAD population databases. The variant satisfies BP7 criteria; Synonymous or non coding variant which is not located in a splice region and not predicted to have splice-altering consequence. However, the variant satisfies BS2 criteria.

Literature cited by the submitters: PubMed 26159176.

NM_032833.5(PPP1R15B):c.771C>T (p.Ser257=)

Gene: PPP1R15B (protein phosphatase 1 regulatory subunit 15B; minus strand). Cytogenetic location: 1q32.1.
Variant type: single nucleotide variant.
Coding change: c.771C>T on transcript NM_032833.5 (MANE Select); coding-DNA position 771, C replaced by T.
Protein change: p.Ser257=; no amino-acid change (serine 257 retained).
Molecular consequence: synonymous variant.
Genome position (GRCh38, 1-based): chr1:204,410,641, G>A on the plus strand (C>T on the coding strand, the complement: PPP1R15B is on the minus strand). VCF-style: chr1-204410641-G-A. GRCh37 (hg19) VCF-style: chr1-204379769-G-A.
Identifiers: ClinVar variation 4820205 (VCV004820205.1).
Genomic context (GRCh38, chr1:204,410,641, plus strand): 5'-GGCCGGAATGAGTTCTGCACTCAGCGGCTGGGGATGACAATGGTCCTCTCTCAGGCAGCT[G>A]CTCTCTGGGGTTAGTGTCTGGAAGCCGACTACCTCGCTATTTCCATCACTGTTCTGATAG-3'
Protein context (NP_116222.4, residues 247-267): VVGFQTLTPE[Ser257=]SCLREDHCHP